The following is an entry in ClinVar:

ClinVar aggregate classification (germline): Benign. Review status: criteria provided, multiple submitters, no conflicts (2 of 4 stars). 2 submissions from 2 submitters: Benign (2). Last evaluated 2018-01-13.

Conditions:
Hereditary North American Indian childhood cirrhosis. Identifiers: Orphanet 168583, MedGen C1858051, MONDO:0011497, OMIM 604901.

Allele frequency attached by ClinVar (database versions not stated): 1000 Genomes Project 30x 0.00765; 1000 Genomes Project 0.00779; TOPMed 0.01699; gnomAD 0.01851 and 0.01911; gnomAD exomes 0.02241.
gnomAD v4.1: 20,826 of 961,084 alleles (2.2%); highest among the groups gnomAD compares: Non-Finnish European, 2.8%; 318 homozygotes.

Submissions (2):

Illumina Laboratory Services, Illumina
Classification: Benign for Hereditary North American Indian childhood cirrhosis. Last evaluated: 2018-01-13. Review status: criteria provided, single submitter. Criteria: ICSL Variant Classification Criteria 13 December 2019. Collection method: clinical testing. Allele origin: germline.
Comment: This variant was observed in the ICSL laboratory as part of a predisposition screen in an ostensibly healthy population. It had not been previously curated by ICSL or reported in the Human Gene Mutation Database (HGMD: prior to June 1st, 2018), and was therefore a candidate for classification through an automated scoring system. Utilizing variant allele frequency, disease prevalence and penetrance estimates, and inheritance mode, an automated score was calculated to assess if this variant is too frequent to cause the disease. Based on the score and internal cut-off values, a variant classified as benign is not then subjected to further curation. The score for this variant resulted in a classification of benign for this disease.

Breakthrough Genomics
Classification: Benign. Review status: criteria provided, single submitter. Criteria: ACMG Guidelines, 2015. Collection method: not provided. Allele origin: germline. Inheritance: Unknown mechanism. Affected: yes.

NM_032830.3(UTP4):c.*68A>G

Gene: UTP4 (UTP4 small subunit processome component). Cytogenetic location: 16q22.1.
Variant type: single nucleotide variant.
Coding change: c.*68A>G on transcript NM_032830.3 (MANE Select); 68 bases downstream of the stop codon, A replaced by G.
Molecular consequence: 3 prime UTR variant.
Genome position (GRCh38, 1-based): chr16:69,169,005, A>G. VCF-style: chr16-69169005-A-G. GRCh37 (hg19) VCF-style: chr16-69202908-A-G.
Other names: c.*68A>G (NM_001318391.2).
Identifiers: ClinVar variation 887111 (VCV000887111.5), dbSNP rs74886619, ClinGen allele CA283362026.